The following is an entry in ClinVar:

ClinVar aggregate classification (germline): Benign. Review status: criteria provided, multiple submitters, no conflicts (2 of 4 stars). 3 submissions from 3 submitters: Benign (3). Last evaluated 2026-08-01.

Allele frequency attached by ClinVar (database versions not stated): 1000 Genomes Project 0.00419; 1000 Genomes Project 30x 0.00422; TOPMed 0.00768; ESP Exome Variant Server 0.00907; gnomAD 0.00955 and 0.00968; gnomAD exomes 0.01048 and 0.01380; ExAC 0.01355.
gnomAD v4.1: 21,434 of 1,612,180 alleles (1.3%); highest among the groups gnomAD compares: Non-Finnish European, 1.5%; 201 homozygotes.

Submissions (3):

CeGaT Center for Human Genetics Tuebingen
Classification: Benign. Last evaluated: 2026-08-01. Review status: criteria provided, single submitter. Criteria: CeGaT Center For Human Genetics Tuebingen Variant Classification Criteria Version 2. Collection method: clinical testing. Allele origin: germline. Affected: yes. Observed: 35 variant alleles.
Comment: TIMM50: BP4, BS1, BS2

Labcorp Genetics (formerly Invitae), Labcorp
Classification: Benign. Last evaluated: 2026-02-01. Review status: criteria provided, single submitter. Criteria: Invitae Variant Classification Sherloc (09022015). Collection method: clinical testing. Allele origin: germline.

Breakthrough Genomics
Classification: Benign. Review status: criteria provided, single submitter. Criteria: ACMG Guidelines, 2015. Collection method: not provided. Allele origin: germline. Inheritance: Autosomal recessive inheritance. Affected: yes.

NM_001001563.5(TIMM50):c.1014C>T (p.Phe338=)

Gene: TIMM50 (translocase of inner mitochondrial membrane 50; plus strand). Cytogenetic location: 19q13.2.
Variant type: single nucleotide variant.
Coding change: c.1014C>T on transcript NM_001001563.5 (MANE Select); coding-DNA position 1014, C replaced by T.
Protein change: p.Phe338=; no amino-acid change (phenylalanine 338 retained).
Molecular consequence: synonymous variant.
Genome position (GRCh38, 1-based): chr19:39,489,772, C>T. VCF-style: chr19-39489772-C-T. GRCh37 (hg19) VCF-style: chr19-39980412-C-T.
Other names: c.675C>T, p.Phe225= (NM_001329559.2).
Identifiers: ClinVar variation 1169242 (VCV001169242.37), dbSNP rs114194716, ClinGen allele CA9432055.
Genomic context (GRCh38, chr19:39,489,772, plus strand): 5'-ACCCCAGGAGGAGCAGCAGCGCCTGGCCGAGCTCTCCAAGTCCAACAAGCAGAACCTCTT[C>T]CTTGGCTCCCTCACCAGCCGCTTGTGGCCTCGCTCCAAACAGCCCTGAACTCTGGGCCTC-3'
Protein context (NP_001001563.2, residues 328-348): ELSKSNKQNL[Phe338=]LGSLTSRLWP